The following is an entry in ClinVar:

NM_005337.5(NCKAP1L):c.2T>C (p.Met1Thr)

Gene: NCKAP1L (NCK associated protein 1 like; plus strand). Cytogenetic location: 12q13.13.
Variant type: single nucleotide variant.
Coding change: c.2T>C on transcript NM_005337.5 (MANE Select); coding-DNA position 2, T replaced by C.
Protein change: p.Met1Thr; changes the start codon (methionine 1).
Molecular consequence: missense variant, initiator codon variant.
Genome position (GRCh38, 1-based): chr12:54,497,791, T>C. VCF-style: chr12-54497791-T-C. GRCh37 (hg19) VCF-style: chr12-54891575-T-C.
Other names: short protein forms M1T.
Identifiers: ClinVar variation 2585458 (VCV002585458.1), dbSNP rs2498560491, ClinGen allele CA385123956.

ClinVar aggregate classification (germline): Likely pathogenic (1 of 4 stars; one submission).

Conditions:
Immunodeficiency 72 with autoinflammation. Also called: IMMUNODEFICIENCY 72 WITH AUTOINFLAMMATION AND LYMPHOPROLIFERATION. Identifiers: MedGen C5436540, MONDO:0033551, OMIM 618982.

Allele frequency attached by ClinVar (database versions not stated): gnomAD exomes below 0.00001.

Submission:

Neuberg Centre For Genomic Medicine, NCGM
Classification: Likely pathogenic for Immunodeficiency 72 with autoinflammation. Review status: criteria provided, single submitter. Criteria: ACMG Guidelines, 2015. Collection method: clinical testing. Allele origin: germline. Inheritance: Autosomal recessive inheritance. Affected: yes.
Comment: The start loss variant c.2T>C (p.Met1?) in NCKAP1L gene has not been reported previously as a pathogenic variant nor as a benign variant, to our knowledge. The variant is novel (not in any individuals) in gnomAD Exomes and 1000 Genomes. The variant is predicted to be damaging by both SIFT and PolyPhen2. The residue is conserved across species. The nucleotide change in NCKAP1L is predicted as conserved by GERP++ and PhyloP across 100 vertebrates. This variant is predicted to cause loss of normal protein function through protein truncation. Loss of function variants have been previously reported to be disease causing. For these reasons, this variant has been classified as Likely Pathogenic .